The following is an entry in ClinVar:

ClinVar aggregate classification (germline): Uncertain significance (1 of 4 stars; one submission).

gnomAD v4.1: 6 of 1,613,650 alleles (0.00037%); highest among the groups gnomAD compares: Non-Finnish European, 0.00051%; no homozygotes.

Submission:

Labcorp Genetics (formerly Invitae), Labcorp
Classification: Uncertain significance. Last evaluated: 2025-07-07. Review status: criteria provided, single submitter. Criteria: Invitae Variant Classification Sherloc (09022015). Collection method: clinical testing. Allele origin: germline.
Comment: This sequence change replaces methionine, which is neutral and non-polar, with lysine, which is basic and polar, at codon 81 of the EIF2B2 protein (p.Met81Lys). This variant is present in population databases (rs377659896, gnomAD 0.0009%). This variant has not been reported in the literature in individuals affected with EIF2B2-related conditions. Invitae Evidence Modeling of protein sequence and biophysical properties (such as structural, functional, and spatial information, amino acid conservation, physicochemical variation, residue mobility, and thermodynamic stability) has been performed for this missense variant. However, the output from this modeling did not meet the statistical confidence thresholds required to predict the impact of this variant on EIF2B2 protein function. Algorithms developed to predict the effect of sequence changes on RNA splicing suggest that this variant may create or strengthen a splice site. In summary, the available evidence is currently insufficient to determine the role of this variant in disease. Therefore, it has been classified as a Variant of Uncertain Significance.

NM_014239.4(EIF2B2):c.242T>A (p.Met81Lys)

Gene: EIF2B2 (eukaryotic translation initiation factor 2B subunit beta; plus strand). Cytogenetic location: 14q24.3.
Variant type: single nucleotide variant.
Coding change: c.242T>A on transcript NM_014239.4 (MANE Select); coding-DNA position 242, T replaced by A.
Protein change: p.Met81Lys; replaces methionine 81 with lysine.
Molecular consequence: missense variant.
Genome position (GRCh38, 1-based): chr14:75,003,353, T>A. VCF-style: chr14-75003353-T-A. GRCh37 (hg19) VCF-style: chr14-75470056-T-A.
Other names: short protein forms M81K.
Identifiers: ClinVar variation 4709234 (VCV004709234.1).
Genomic context (GRCh38, chr14:75,003,353, plus strand): 5'-TCCGCAGAGAGGGCAGGAGGATGACGGCCGCTCAGCCCTCCGAGACCACCGTGGGCAACA[T>A]GGTGCGGAGAGTGCTCAAGATTATCCGGGAGGAGTATGGCAGGTCAGGCTCACGTCCTGG-3'
Protein context (NP_055054.1, residues 71-91): AQPSETTVGN[Met81Lys]VRRVLKIIRE